The following is an entry in ClinVar:

ClinVar aggregate classification (germline): Likely pathogenic (1 of 4 stars; one submission).

Submission:

Quest Diagnostics Nichols Institute San Juan Capistrano
Classification: Likely pathogenic. Last evaluated: 2025-04-08. Review status: criteria provided, single submitter. Criteria: Quest Diagnostics criteria. Collection method: clinical testing. Allele origin: unknown.
Comment: The NF1 c.5020_5021del (p.Arg1674Alafs*8) variant alters the translational reading frame of the NF1 mRNA and is predicted to cause the premature termination of NF1 protein synthesis. This variant has not been reported in individuals with NF1-related conditions in the published literature. This variant has not been reported in large, multi-ethnic general populations (Genome Aggregation Database). Based on the available information, this variant is classified as likely pathogenic.

NM_001042492.3(NF1):c.5083_5084del (p.Arg1695fs)

Gene: NF1 (neurofibromin 1; plus strand). Cytogenetic location: 17q11.2.
Variant type: Deletion.
Coding change: c.5083_5084del on transcript NM_001042492.3 (MANE Select); coding-DNA positions 5083 to 5084, 2 bases deleted (CG; older notation c.5083_5084delCG).
Protein change: p.Arg1695fs; shifts the reading frame from arginine 1695.
Molecular consequence: frameshift variant.
Genome position (GRCh38, 1-based): chr17:31,326,067-31,326,068, CG deleted; deleting any 2 consecutive bases within chr17:31,326,066-31,326,068 gives the same sequence; the c. name uses the placement nearest the transcript's 3' end. VCF-style (leftmost placement, unchanged base first): chr17-31326065-AGC-A. GRCh37 (hg19) VCF-style: chr17-29653083-AGC-A.
Other names: c.5020_5021delCG, p.Arg1674Alafs (NM_000267.3); c.5020_5021del, p.Arg1674fs (NM_000267.4); short protein forms R1674fs, R1695fs.
Identifiers: ClinVar variation 4532915 (VCV004532915.1).